The following is an entry in ClinVar:

NM_032387.5(WNK4):c.3182G>C (p.Gly1061Ala)

Gene: WNK4 (WNK lysine deficient protein kinase 4; plus strand). Cytogenetic location: 17q21.2.
Variant type: single nucleotide variant.
Coding change: c.3182G>C on transcript NM_032387.5 (MANE Select); coding-DNA position 3182, G replaced by C.
Protein change: p.Gly1061Ala; replaces glycine 1061 with alanine.
Molecular consequence: missense variant.
Genome position (GRCh38, 1-based): chr17:42,795,784, G>C. VCF-style: chr17-42795784-G-C. GRCh37 (hg19) VCF-style: chr17-40947802-G-C.
Other names: c.2174G>C, p.Gly725Ala (NM_001321299.2); c.3182G>C (NM_032387.4); short protein forms G1061A, G725A.
Identifiers: ClinVar variation 2161767 (VCV002161767.8), dbSNP rs142406282, ClinGen allele CA8584535.

ClinVar aggregate classification (germline): Uncertain significance. Review status: criteria provided, multiple submitters, no conflicts (2 of 4 stars). 3 submissions from 3 submitters: Uncertain significance (2). 1 of the submissions does not count toward it. Last evaluated 2025-07-21.

Conditions:
Inborn genetic diseases. Identifiers: MedGen C0950123, MeSH D030342.

Allele frequency attached by ClinVar (database versions not stated): gnomAD 0.00007; TOPMed 0.00008; ExAC 0.00018.

Submissions (3):

Labcorp Genetics (formerly Invitae), Labcorp
Classification: Uncertain significance. Last evaluated: 2025-07-21. Review status: criteria provided, single submitter. Criteria: Invitae Variant Classification Sherloc (09022015). Collection method: clinical testing. Allele origin: germline.
Comment: This sequence change replaces glycine, which is neutral and non-polar, with alanine, which is neutral and non-polar, at codon 1061 of the WNK4 protein (p.Gly1061Ala). This variant is present in population databases (rs142406282, gnomAD 0.02%). This variant has not been reported in the literature in individuals affected with WNK4-related conditions. ClinVar contains an entry for this variant (Variation ID: 2161767). Invitae Evidence Modeling of protein sequence and biophysical properties (such as structural, functional, and spatial information, amino acid conservation, physicochemical variation, residue mobility, and thermodynamic stability) indicates that this missense variant is not expected to disrupt WNK4 protein function with a negative predictive value of 95%. In summary, the available evidence is currently insufficient to determine the role of this variant in disease. Therefore, it has been classified as a Variant of Uncertain Significance.

Ambry Genetics
Classification: Uncertain significance for Inborn genetic diseases. Last evaluated: 2025-07-12. Review status: criteria provided, single submitter. Criteria: Ambry Variant Classification Scheme 2023. Collection method: clinical testing. Allele origin: germline.

Genetic Services Laboratory, University of Chicago
Classification: Uncertain significance. Last evaluated: 2022-05-27. Review status: no assertion criteria provided. Collection method: clinical testing. Allele origin: germline. Affected: no. Not counted in ClinVar's aggregate classification.
Comment: DNA sequence analysis of the WNK4 gene demonstrated a sequence change, c.3182G>C, in exon 16 that results in an amino acid change, p.Gly1061Ala. This sequence change has been described in the gnomAD database with a frequency of 0.0186% in the non-Finnish European subpopulation (dbSNP rs142406282). The p.Gly1061Ala change affects a poorly conserved amino acid residue located in a domain of the WNK4 protein that is not known to be functional. The p.Gly1061Ala substitution appears to be benign using several in-silico pathogenicity prediction tools (SIFT, PolyPhen2, Align GVGD, REVEL). This sequence change does not appear to have been previously described in individuals with WNK4-related disorders. Due to insufficient evidences and the lack of functional studies, the clinical significance of the p.Gly1061Ala change remains unknown at this time.